The following is an entry in ClinVar:

NM_176824.3(BBS7):c.1759_1760del (p.Arg587fs)

Gene: BBS7 (Bardet-Biedl syndrome 7; minus strand). Cytogenetic location: 4q27.
Variant type: Deletion.
Coding change: c.1759_1760del on transcript NM_176824.3 (MANE Select); coding-DNA positions 1759 to 1760, 2 bases deleted (AG; older notation c.1759_1760delAG).
Protein change: p.Arg587fs; shifts the reading frame from arginine 587.
Molecular consequence: frameshift variant.
Genome position (GRCh38, 1-based): chr4:121,828,645-121,828,646, CT deleted on the plus strand (AG on the coding strand, the reverse complement: BBS7 is on the minus strand). VCF-style (leftmost placement, unchanged base first): chr4-121828644-CCT-C. GRCh37 (hg19) VCF-style: chr4-122749799-CCT-C.
Other names: c.1759_1760delAG (NM_176824.3); c.1759_1760del, p.Arg587fs (NM_018190.4); short protein forms R587fs.
Identifiers: ClinVar variation 4813869 (VCV004813869.1).

ClinVar aggregate classification (germline): Likely pathogenic (1 of 4 stars; one submission).

Conditions:
Focal segmental glomerulosclerosis (FSGS). Also called: Glomerulosclerosis, focal; Focal sclerosis with hyalinosis. Identifiers: MedGen C0017668, MONDO:0100313, HP:0000097. Disease mechanism: loss of function.

Submission:

Molecular Lab, University of Sulaimaniyah
Classification: Likely pathogenic for Focal segmental glomerulosclerosis. Last evaluated: 2026-03-12. Review status: criteria provided, single submitter. Criteria: ACMG Guidelines, 2015. Collection method: clinical testing. Allele origin: germline. Inheritance: Autosomal recessive inheritance. Affected: yes. Observed: 1 variant allele, 1 homozygote.
Comment: This variant was classified using the ACMG/AMP 2015 framework (PMID:25741868). PVS1 was applied because BBS7 c.1759_1760delAG is a predicted loss-of-function frameshift variant expected to create a premature termination codon in a recessive ciliopathy-associated gene for which loss of function is an established disease mechanism. The submitted classification reflects this combination of variant type, gene-disease mechanism, and internal observation data. Overall, the weight of evidence supported a Likely pathogenic classification.